The following is an entry in ClinVar:

NM_000264.5(PTCH1):c.3516del (p.Val1173fs)

Gene: PTCH1 (patched 1; minus strand). Cytogenetic location: 9q22.32.
Variant type: Deletion.
Coding change: c.3516del on transcript NM_000264.5 (MANE Select); coding-DNA position 3516, one base deleted (C; older notation c.3516delC).
Protein change: p.Val1173fs; shifts the reading frame from valine 1173.
Molecular consequence: frameshift variant. On other transcripts: non-coding transcript variant (1).
Genome position (GRCh38, 1-based): chr9:95,449,874, G deleted on the plus strand (C on the coding strand, the reverse complement: PTCH1 is on the minus strand); the first of 3 consecutive G bases (chr9:95,449,874-95,449,876); deleting any one gives the same sequence. VCF-style (leftmost placement, unchanged base first): chr9-95449873-CG-C. GRCh37 (hg19) VCF-style: chr9-98212155-CG-C.
Other names: c.3516delC (NM_000264.3); c.3318del, p.Val1107fs (NM_001083602.3); c.3513del, p.Val1172fs (NM_001083603.3); c.3063del, p.Val1022fs (NM_001083604.3, NM_001083605.3, NM_001083606.3 and 1 more transcripts); c.3360del, p.Val1121fs (NM_001354918.2); short protein forms V1107fs, V1172fs, V1121fs, V1173fs, V1022fs.
Identifiers: ClinVar variation 2034782 (VCV002034782.7), dbSNP rs2538020986, ClinGen allele CA2580081138.

ClinVar aggregate classification (germline): Pathogenic. Review status: criteria provided, multiple submitters, no conflicts (2 of 4 stars). 3 submissions from 3 submitters: Pathogenic (3). Last evaluated 2024-05-14.

Conditions:
Hereditary cancer-predisposing syndrome. Also called: Neoplastic Syndromes, Hereditary; Hereditary Cancer Syndrome; Tumor predisposition; Hereditary neoplastic syndrome. Identifiers: Orphanet 140162, MedGen C0027672, MeSH D009386, MONDO:0015356.
PTCH1-related disorder. Also called: PTCH1-related disorders; PTCH1-related condition.
Gorlin syndrome. Also called: Nevoid Basal Cell Carcinoma Syndrome; Basal cell nevus syndrome. Identifiers: Orphanet 377, MedGen C0004779, MONDO:0007187.

Submissions (3):

Blueprint Genetics
Classification: Pathogenic for PTCH1-related disorders. Last evaluated: 2024-05-14. Review status: criteria provided, single submitter. Criteria: ACMG Guidelines, 2015. Collection method: clinical testing. Allele origin: germline. Affected: yes. Observed: 2 variant alleles.

Ambry Genetics
Classification: Pathogenic for Hereditary cancer-predisposing syndrome. Last evaluated: 2023-06-13. Review status: criteria provided, single submitter. Criteria: Ambry Variant Classification Scheme 2023. Collection method: clinical testing. Allele origin: germline.
Comment: The c.3516delC pathogenic mutation, located in coding exon 21 of the PTCH1 gene, results from a deletion of one nucleotide at nucleotide position 3516, causing a translational frameshift with a predicted alternate stop codon (p.V1173Cfs*18). This alteration is expected to result in loss of function by premature protein truncation or nonsense-mediated mRNA decay. This variant is considered to be rare based on population cohorts in the Genome Aggregation Database (gnomAD). In addition, this alteration has been observed in at least one individual with a personal history that is consistent with Nevoid basal cell carcinoma syndrome (Ambry internal data). As such, this alteration is interpreted as a disease-causing mutation.

Labcorp Genetics (formerly Invitae), Labcorp
Classification: Pathogenic for Gorlin syndrome. Last evaluated: 2022-10-08. Review status: criteria provided, single submitter. Criteria: Invitae Variant Classification Sherloc (09022015). Collection method: clinical testing. Allele origin: germline.
Comment: For these reasons, this variant has been classified as Pathogenic. This variant has not been reported in the literature in individuals affected with PTCH1-related conditions. This variant is not present in population databases (gnomAD no frequency). This sequence change creates a premature translational stop signal (p.Val1173Cysfs*18) in the PTCH1 gene. It is expected to result in an absent or disrupted protein product. Loss-of-function variants in PTCH1 are known to be pathogenic (PMID: 16301862, 16419085).

Literature cited by the submitters: PubMed 16301862 (cited by Labcorp Genetics (formerly Invitae), Labcorp); PubMed 16419085 (cited by Labcorp Genetics (formerly Invitae), Labcorp).